The following is an entry in ClinVar:

NM_001243177.4(ALDOA):c.1199G>T (p.Ser400Ile)

Genes: ALDOA (aldolase, fructose-bisphosphate A; plus strand), LOC112694756 (uncharaterized LOC112694756; plus strand). Cytogenetic location: 16p11.2.
Variant type: single nucleotide variant.
Coding change: c.1199G>T on transcript NM_001243177.4 (MANE Select); coding-DNA position 1199, G replaced by T.
Protein change: p.Ser400Ile; replaces serine 400 with isoleucine.
Molecular consequence: missense variant. On other transcripts: 3 prime UTR variant (3).
Genome position (GRCh38, 1-based): chr16:30,070,154, G>T. VCF-style: chr16-30070154-G-T. GRCh37 (hg19) VCF-style: chr16-30081475-G-T.
Other names: c.*1546G>T (NM_001365304.2, NM_001365307.2, NM_001365305.2); c.1037G>T, p.Ser346Ile (NM_001127617.2, NM_184041.5, NM_184043.2); short protein forms S400I, S346I.
Identifiers: ClinVar variation 3696909 (VCV003696909.2).
Genomic context (GRCh38, chr16:30,070,154, plus strand): 5'-ACTCCACCCCTCTCCCTGCTTAGGCCAACAGCCTTGCCTGTCAAGGAAAGTACACTCCGA[G>T]CGGTCAGGCTGGGGCTGCTGCCAGCGAGTCCCTCTTCGTCTCTAACCACGCCTATTAAGC-3'
Protein context (NP_001230106.1, residues 390-410): SLACQGKYTP[Ser400Ile]GQAGAAASES

ClinVar aggregate classification (germline): Uncertain significance (1 of 4 stars; one submission).

Conditions:
HNSHA due to aldolase A deficiency (GSD12). Also called: GLYCOGEN STORAGE DISEASE XII; GSD XII; RED CELL ALDOLASE DEFICIENCY; Glycogen storage disease due to aldolase A deficiency. Identifiers: Orphanet 57, MedGen C0272066, MONDO:0012747, OMIM 611881.

gnomAD v4.1: 3 of 1,614,134 alleles (0.00019%); highest among the groups gnomAD compares: Non-Finnish European, 0.00025%; no homozygotes.

Submission:

Labcorp Genetics (formerly Invitae), Labcorp
Classification: Uncertain significance for HNSHA due to aldolase A deficiency. Last evaluated: 2024-08-14. Review status: criteria provided, single submitter. Criteria: Invitae Variant Classification Sherloc (09022015). Collection method: clinical testing. Allele origin: germline.
Comment: This sequence change replaces serine, which is neutral and polar, with isoleucine, which is neutral and non-polar, at codon 346 of the ALDOA protein (p.Ser346Ile). This variant is present in population databases (no rsID available, gnomAD 0.0009%). This variant has not been reported in the literature in individuals affected with ALDOA-related conditions. An algorithm developed to predict the effect of missense changes on protein structure and function (PolyPhen-2) suggests that this variant is likely to be tolerated. In summary, the available evidence is currently insufficient to determine the role of this variant in disease. Therefore, it has been classified as a Variant of Uncertain Significance.